The following is an entry in ClinVar:

ClinVar aggregate classification (germline): Benign/Likely benign. Review status: criteria provided, multiple submitters, no conflicts (2 of 4 stars). 12 submissions from 12 submitters: Benign (7); Likely benign (5). Last evaluated 2026-07-01.

Conditions:
Joubert syndrome. Also called: Familial aplasia of the vermis; JOUBERT-BOLTSHAUSER SYNDROME. Identifiers: Orphanet 475, MedGen C5979921, MONDO:0018772.
Joubert syndrome 3 (JBTS3). Also called: AHI1-related Ciliopathy. Identifiers: Orphanet 220493, MedGen C1837713, MONDO:0012078, OMIM 608629.

Allele frequency attached by ClinVar (database versions not stated): 1000 Genomes Project 0.00160; ExAC 0.00961; gnomAD 0.00482 and 0.00497; 1000 Genomes Project 30x 0.00141; TOPMed 0.00431; gnomAD exomes 0.00524; ESP Exome Variant Server 0.00652.
gnomAD v4.1: 11,380 of 1,605,928 alleles (0.71%); highest among the groups gnomAD compares: Non-Finnish European, 0.88%; 53 homozygotes.

Submissions (12):

CeGaT Center for Human Genetics Tuebingen
Classification: Likely benign. Last evaluated: 2026-07-01. Review status: criteria provided, single submitter. Criteria: CeGaT Center For Human Genetics Tuebingen Variant Classification Criteria Version 2. Collection method: clinical testing. Allele origin: germline. Affected: yes. Observed: 42 variant alleles.
Comment: AHI1: BP4

Labcorp Genetics (formerly Invitae), Labcorp
Classification: Benign for Joubert syndrome. Last evaluated: 2026-02-04. Review status: criteria provided, single submitter. Criteria: Invitae Variant Classification Sherloc (09022015). Collection method: clinical testing. Allele origin: germline.

Mayo Clinic Laboratories, Mayo Clinic
Classification: Likely benign. Last evaluated: 2025-11-28. Review status: criteria provided, single submitter. Criteria: ACMG Guidelines, 2015. Collection method: clinical testing. Allele origin: germline. Observed: 1 variant allele.
Comment: BS1, BP4

Blueprint Genetics
Classification: Likely benign. Last evaluated: 2024-11-25. Review status: criteria provided, single submitter. Criteria: ACMG Guidelines, 2015. Collection method: clinical testing. Allele origin: germline.

Women's Health and Genetics/Laboratory Corporation of America, LabCorp
Classification: Benign. Last evaluated: 2022-03-03. Review status: criteria provided, single submitter. Criteria: LabCorp Variant Classification Summary - May 2015. Collection method: clinical testing. Allele origin: germline.
Comment: Variant summary: AHI1 c.3368C>T (p.Ser1123Phe) results in a non-conservative amino acid change in the encoded protein sequence. Three of five in-silico tools predict a damaging effect of the variant on protein function. The variant allele was found at a frequency of 0.0052 in 236492 control chromosomes, predominantly at a frequency of 0.0092 within the Non-Finnish European subpopulation in the gnomAD database, including 4 homozygotes. The observed variant frequency within Non-Finnish European control individuals in the gnomAD database is approximately 7 fold of the estimated maximal expected allele frequency for a pathogenic variant in AHI1 causing Joubert Syndrome And Related Disorders phenotype (0.0013), strongly suggesting that the variant is a benign polymorphism found primarily in populations of Non-Finnish European origin. Seven clinical diagnostic laboratories have submitted clinical-significance assessments for this variant to ClinVar after 2014 and classified the variant as benign (n=5) and likely benign (n=2). Based on the evidence outlined above, the variant was classified as benign.

SIB Swiss Institute of Bioinformatics
Classification: Benign for Joubert syndrome 3. Last evaluated: 2018-05-31. Review status: criteria provided, single submitter. Criteria: ACMG Guidelines, 2015. Collection method: curation. Allele origin: unknown.
Comment: This variant is interpreted as a Benign, for Joubert syndrome, in Autosomal Recessive manner. The following ACMG Tag(s) were applied: BS1 => Allele frequency is greater than expected for disorder. BS2 => Observed in a healthy adult individual for a recessive (homozygous), dominant (heterozygous), or X-linked (hemizygous) disorder, with full penetrance expected at an early age. BS4 => Lack of segregation in affected members of a family (PMID:16453322).

GeneDx
Classification: Benign. Last evaluated: 2017-12-13. Review status: criteria provided, single submitter. Criteria: GeneDx Variant Classification (06012015). Collection method: clinical testing. Allele origin: germline. Affected: yes.
Comment: This variant is considered likely benign or benign based on one or more of the following criteria: it is a conservative change, it occurs at a poorly conserved position in the protein, it is predicted to be benign by multiple in silico algorithms, and/or has population frequency not consistent with disease.

Illumina Laboratory Services, Illumina
Classification: Benign for Joubert syndrome 3. Last evaluated: 2017-04-27. Review status: criteria provided, single submitter. Criteria: ICSL Variant Classification Criteria 13 December 2019. Collection method: clinical testing. Allele origin: germline.
Comment: This variant was observed as part of a predisposition screen in an ostensibly healthy population. A literature search was performed for the gene, cDNA change, and amino acid change (where applicable). No publications were found based on this search. Allele frequency data from public databases was too high to be consistent with this variant causing disease. Therefore, this variant is classified as benign.

Center for Pediatric Genomic Medicine, Children's Mercy Hospital and Clinics
Classification: Likely benign. Last evaluated: 2016-09-15. Review status: criteria provided, single submitter. Criteria: ACMG Guidelines, 2015. Collection method: clinical testing. Allele origin: germline.
ClinVar note: Converted during submission from Likely Benign to Likely benign.

Eurofins Ntd Llc (ga)
Classification: Benign. Last evaluated: 2015-03-02. Review status: criteria provided, single submitter. Criteria: EGL Classification Definitions 2015. Collection method: clinical testing. Allele origin: germline. Observed: 2 variant alleles, 2 heterozygotes.

Breakthrough Genomics
Classification: Likely benign. Review status: criteria provided, single submitter. Criteria: ACMG Guidelines, 2015. Collection method: not provided. Allele origin: germline. Inheritance: Autosomal recessive inheritance. Affected: yes.

PreventionGenetics, part of Exact Sciences
Classification: Benign. Review status: criteria provided, single submitter. Criteria: ACMG Guidelines, 2015. Collection method: clinical testing. Allele origin: germline.

Literature cited by the submitters: PubMed 25326637 (cited by Mayo Clinic Laboratories, Mayo Clinic); PubMed 34426522 (cited by Mayo Clinic Laboratories, Mayo Clinic); PubMed 16453322 (cited by SIB Swiss Institute of Bioinformatics).

NM_001134831.2(AHI1):c.3368C>T (p.Ser1123Phe)

Gene: AHI1 (Abelson helper integration site 1; minus strand). Cytogenetic location: 6q23.3.
Variant type: single nucleotide variant.
Coding change: c.3368C>T on transcript NM_001134831.2 (MANE Select); coding-DNA position 3368, C replaced by T.
Protein change: p.Ser1123Phe; replaces serine 1123 with phenylalanine.
Molecular consequence: missense variant.
Genome position (GRCh38, 1-based): chr6:135,318,577, G>A on the plus strand (C>T on the coding strand, the complement: AHI1 is on the minus strand). VCF-style: chr6-135318577-G-A. GRCh37 (hg19) VCF-style: chr6-135639715-G-A.
Other names: NM_001134830.1(AHI1):c.3368C>T(p.Ser1123Phe); NM_001134831.1(AHI1):c.3368C>T(p.Ser1123Phe); NM_017651.4(AHI1):c.3368C>T(p.Ser1123Phe); c.3368C>T, p.Ser1123Phe (NM_001134830.2, NM_001350503.2, NM_001350504.2 and 1 more transcripts); short protein forms S1123F.
Identifiers: ClinVar variation 95756 (VCV000095756.60), dbSNP rs117447608, ClinGen allele CA148802.